The following is an entry in ClinVar:

ClinVar aggregate classification (germline): Uncertain significance. Review status: criteria provided, multiple submitters, no conflicts (2 of 4 stars). 3 submissions from 3 submitters: Uncertain significance (3). Last evaluated 2021-12-12.

Conditions:
Microcephaly, normal intelligence and immunodeficiency (NBS). Also called: Immunodeficiency, microcephaly with normal intelligence; Ataxia telangiectasia variant V1; IMMUNODEFICIENCY, MICROCEPHALY, AND CHROMOSOMAL INSTABILITY; BERLIN BREAKAGE SYNDROME; SEEMANOVA SYNDROME II; Nijmegen breakage syndrome. Identifiers: Orphanet 647, MedGen C0398791, MONDO:0009623, OMIM 251260.
Hereditary cancer-predisposing syndrome. Also called: Neoplastic Syndromes, Hereditary; Hereditary neoplastic syndrome; Tumor predisposition; Hereditary Cancer Syndrome. Identifiers: Orphanet 140162, MedGen C0027672, MeSH D009386, MONDO:0015356.

Submissions (3):

Labcorp Genetics (formerly Invitae), Labcorp
Classification: Uncertain significance for Microcephaly, normal intelligence and immunodeficiency. Last evaluated: 2021-12-12. Review status: criteria provided, single submitter. Criteria: Invitae Variant Classification Sherloc (09022015). Collection method: clinical testing. Allele origin: germline.
Comment: ClinVar contains an entry for this variant (Variation ID: 530736). This variant has not been reported in the literature in individuals affected with NBN-related conditions. This variant is present in population databases (no rsID available, gnomAD 0.005%). This sequence change replaces cysteine, which is neutral and slightly polar, with serine, which is neutral and polar, at codon 119 of the NBN protein (p.Cys119Ser). In summary, the available evidence is currently insufficient to determine the role of this variant in disease. Therefore, it has been classified as a Variant of Uncertain Significance. Algorithms developed to predict the effect of missense changes on protein structure and function are either unavailable or do not agree on the potential impact of this missense change (SIFT: "Deleterious"; PolyPhen-2: "Benign"; Align-GVGD: "Class C0").

Genome-Nilou Lab
Classification: Uncertain significance for Microcephaly, normal intelligence and immunodeficiency. Last evaluated: 2021-11-07. Review status: criteria provided, single submitter. Criteria: ACMG Guidelines, 2015. Collection method: clinical testing. Allele origin: germline. Affected: no.

Ambry Genetics
Classification: Uncertain significance for Hereditary cancer-predisposing syndrome. Last evaluated: 2019-05-23. Review status: criteria provided, single submitter. Criteria: Ambry Variant Classification Scheme 2023. Collection method: clinical testing. Allele origin: germline.
Comment: The p.C119S variant (also known as c.356G>C), located in coding exon 4 of the NBN gene, results from a G to C substitution at nucleotide position 356. The cysteine at codon 119 is replaced by serine, an amino acid with dissimilar properties. This amino acid position is highly conserved in available vertebrate species. In addition, the in silico prediction for this alteration is inconclusive. Since supporting evidence is limited at this time, the clinical significance of this alteration remains unclear.

NM_002485.5(NBN):c.356G>C (p.Cys119Ser)

Gene: NBN (nibrin; minus strand). Cytogenetic location: 8q21.3.
Variant type: single nucleotide variant.
Coding change: c.356G>C on transcript NM_002485.5 (MANE Select); coding-DNA position 356, G replaced by C.
Protein change: p.Cys119Ser; replaces cysteine 119 with serine.
Molecular consequence: missense variant.
Genome position (GRCh38, 1-based): chr8:89,980,858, C>G on the plus strand (G>C on the coding strand, the complement: NBN is on the minus strand). VCF-style: chr8-89980858-C-G. GRCh37 (hg19) VCF-style: chr8-90993086-C-G.
Other names: c.110G>C, p.Cys37Ser (NM_001024688.3); short protein forms C119S, C37S.
Identifiers: ClinVar variation 530736 (VCV000530736.17), dbSNP rs749272832, ClinGen allele CA371662095.